The following is an entry in ClinVar:

ClinVar aggregate classification (germline): Uncertain significance (1 of 4 stars; one submission).

Conditions:
Inborn genetic diseases. Identifiers: MedGen C0950123, MeSH D030342.

gnomAD v4.1: 2 of 1,614,186 alleles (0.00012%); no homozygotes.

Submission:

Ambry Genetics
Classification: Uncertain significance for Inborn genetic diseases. Last evaluated: 2025-03-29. Review status: criteria provided, single submitter. Criteria: Ambry Variant Classification Scheme 2023. Collection method: clinical testing. Allele origin: germline.
Comment: The p.Q372R variant (also known as c.1115A>G), located in coding exon 12 of the ASXL1 gene, results from an A to G substitution at nucleotide position 1115. The glutamine at codon 372 is replaced by arginine, an amino acid with highly similar properties. This amino acid position is conserved. In addition, this alteration is predicted to be tolerated by in silico analysis. Based on the available evidence, the clinical significance of this variant remains unclear.

NM_015338.6(ASXL1):c.1115A>G (p.Gln372Arg)

Gene: ASXL1 (ASXL transcriptional regulator 1; plus strand). Cytogenetic location: 20q11.21.
Variant type: single nucleotide variant.
Coding change: c.1115A>G on transcript NM_015338.6 (MANE Select); coding-DNA position 1115, A replaced by G.
Protein change: p.Gln372Arg; replaces glutamine 372 with arginine.
Molecular consequence: missense variant.
Genome position (GRCh38, 1-based): chr20:32,433,313, A>G. VCF-style: chr20-32433313-A-G. GRCh37 (hg19) VCF-style: chr20-31021116-A-G.
Other names: c.932A>G, p.Gln311Arg (NM_001363734.1); short protein forms Q311R, Q372R.
Identifiers: ClinVar variation 3955385 (VCV003955385.1).